The following is an entry in ClinVar:

ClinVar aggregate classification (germline): Pathogenic/Likely pathogenic. Review status: criteria provided, multiple submitters, no conflicts (2 of 4 stars). 7 submissions from 7 submitters: Pathogenic (5); Likely pathogenic (2). Last evaluated 2025-12-29.

Conditions:
Hereditary cancer-predisposing syndrome. Also called: Hereditary neoplastic syndrome; Tumor predisposition; Neoplastic Syndromes, Hereditary; Hereditary Cancer Syndrome. Identifiers: Orphanet 140162, MedGen C0027672, MeSH D009386, MONDO:0015356.
Familial multiple polyposis syndrome (FAP). Also called: Familial adenomatous polyposis; Familial polyposis; Familial intestinal polyposis; Classic familial adenomatous polyposis; Familial Adenomatous Polyposis (FAP). Identifiers: Orphanet 733, MedGen C0032580, MONDO:0021055. Disease mechanism: loss of function.
Familial adenomatous polyposis 1 (FAP1). Also called: FAMILIAL ADENOMATOUS POLYPOSIS 1, ATTENUATED; POLYPOSIS, ADENOMATOUS INTESTINAL. Identifiers: MedGen C2713442, MONDO:0021056, OMIM 175100. Disease mechanism: loss of function.

Allele frequency attached by ClinVar (database versions not stated): gnomAD exomes below 0.00001.
gnomAD v4.1: 1 of 1,613,560 alleles (0.000062%); highest among the groups gnomAD compares: Non-Finnish European, 0.000085%; no homozygotes.

Submissions (7):

Labcorp Genetics (formerly Invitae), Labcorp
Classification: Pathogenic for Familial adenomatous polyposis 1. Last evaluated: 2025-12-29. Review status: criteria provided, single submitter. Criteria: Invitae Variant Classification Sherloc (09022015). Collection method: clinical testing. Allele origin: germline.
Comment: This sequence change creates a premature translational stop signal (p.Arg2560*) in the APC gene. While this is not anticipated to result in nonsense mediated decay, it is expected to disrupt the last 284 amino acid(s) of the APC protein. This variant is not present in population databases (gnomAD no frequency). This variant has not been reported in the literature in individuals affected with APC-related conditions. ClinVar contains an entry for this variant (Variation ID: 654491). This variant is expected to disrupt the EB1 and HDLG binding sites, which mediate interactions with the cytoskeleton (PMID: 15311282, 17293347). While functional studies have not been performed to directly test the effect on APC protein function, this suggests that disruption of the C-terminal portion of the protein is functionally important. A different truncation (p.Tyr2645Lysfs*14) that lies downstream of this variant has been determined to be pathogenic (PMID: 9824584, 1316610, 27081525, 8381579, 22135120, internal data). This suggests that deletion of this region of the APC protein is causative of disease. For these reasons, this variant has been classified as Pathogenic.

Women's Health and Genetics/Laboratory Corporation of America, LabCorp
Classification: Pathogenic for Familial multiple polyposis syndrome. Last evaluated: 2025-03-24. Review status: criteria provided, single submitter. Criteria: LabCorp Variant Classification Summary - May 2015. Collection method: clinical testing. Allele origin: germline.
Comment: Variant summary: APC c.7678C>T (p.Arg2560X) results in a premature termination codon, predicted to cause a truncation of the encoded protein, and downtream truncated variants have been associated with disease (example, c.7879_7894del (Ser2627Glnfs*12): PATH/ClinVar). The variant is expected to lose the EB1 and HDLG binding sites, which mediate interactions with the cytoskeleton (PMID: 15311282, 17293347). The variant was absent in 250770 control chromosomes. To our knowledge, no occurrence of c.7678C>T in individuals affected with Familial Adenomatous Polyposis and no experimental evidence demonstrating its impact on protein function have been reported. ClinVar contains an entry for this variant (Variation ID: 654491). Based on the evidence outlined above, the variant was classified as pathogenic.

Quest Diagnostics Nichols Institute San Juan Capistrano
Classification: Likely pathogenic. Last evaluated: 2024-10-08. Review status: criteria provided, single submitter. Criteria: Quest Diagnostics criteria. Collection method: clinical testing. Allele origin: unknown.
Comment: The APC c.7678C>T (p.Arg2560*) variant has not been reported in individuals with APC-related conditions in the published literature. It also has not been reported in large, multi-ethnic general populations (Genome Aggregation Database). Based on the available information, this variant is classified as likely pathogenic.

Ambry Genetics
Classification: Pathogenic for Hereditary cancer-predisposing syndrome. Last evaluated: 2024-02-29. Review status: criteria provided, single submitter. Criteria: Ambry Variant Classification Scheme 2023. Collection method: clinical testing. Allele origin: germline.
Comment: The p.R2560* pathogenic mutation (also known as c.7678C>T), located in coding exon 15 of the APC gene, results from a C to T substitution at nucleotide position 7678. This changes the amino acid from an arginine to a stop codon within coding exon 15. This alteration has been observed multiple individuals with a personal and/or family history that is consistent with attenuated FAP (Ambry internal data). This alteration is expected to result in loss of function by premature protein truncation. As such, this alteration is interpreted as a disease-causing mutation.

ARUP Laboratories, Molecular Genetics and Genomics, ARUP Laboratories
Classification: Pathogenic. Last evaluated: 2023-12-22. Review status: criteria provided, single submitter. Criteria: ARUP Molecular Germline Variant Investigation Process 2024. Collection method: clinical testing. Allele origin: germline.
Comment: The APC c.7678C>T; p.Arg2560Ter variant (rs1580685528), to our knowledge, is not reported in the medical literature but is reported in ClinVar (Variation ID: 654491). This variant is absent from the Genome Aggregation Database (v2.1.1), indicating it is not a common polymorphism. This variant results in a premature termination codon in the last exon of the APC gene. While this may not lead to nonsense-mediated decay, it is expected to create a truncated APC protein. Other truncating variants further downstream are reported in individuals with APC-related disease (Disciglio 2020, Friedl 2001, Koeller 2020, Lagarde 2010). Based on available information the p.Arg2560Ter variant is considered to be pathogenic. References: Disciglio V et al. Gastric polyposis and desmoid tumours as a new familial adenomatous polyposis clinical variant associated with APC mutation at the extreme 3'-end. J Med Genet. 2020 May;57(5):356-360. PMID: 31591141. Friedl W et al. Can APC mutation analysis contribute to therapeutic decisions in familial adenomatous polyposis? Experience from 680 FAP families. Gut. 2001 Apr;48(4):515-21. PMID: 11247896. Koeller DR et al. Novel Pathogenic Germline Variant of the Adenomatous Polyposis Coli (APC) Gene, p.S2627Gfs*12 Identified in a Mild Phenotype of APC-Associated Polyposis: A Case Report. Am J Case Rep. 2020 Dec 11;21:e927293. PMID: 33303731. Lagarde A et al. Germline APC mutation spectrum derived from 863 genomic variations identified through a 15-year medical genetics service to French patients with FAP. J Med Genet. 2010 Oct;47(10):721-2. PMID: 20685668.

Myriad Genetics, Inc.
Classification: Pathogenic for Familial adenomatous polyposis 1. Last evaluated: 2023-05-16. Review status: criteria provided, single submitter. Criteria: Myriad Autosomal Dominant, Autosomal Recessive and X-Linked Classification Criteria (2023). Collection method: clinical testing. Allele origin: unknown.
Comment: This variant is considered pathogenic. This variant creates a termination codon and is predicted to result in premature protein truncation.

Baylor Genetics
Classification: Likely pathogenic for Familial adenomatous polyposis 1. Last evaluated: 2021-07-09. Review status: criteria provided, single submitter. Criteria: ACMG Guidelines, 2015. Collection method: clinical testing. Allele origin: unknown.

Literature cited by the submitters: PubMed 15311282 (cited by Labcorp Genetics (formerly Invitae), Labcorp); PubMed 17293347 (cited by Labcorp Genetics (formerly Invitae), Labcorp); PubMed 9824584 (cited by Labcorp Genetics (formerly Invitae), Labcorp); PubMed 1316610 (cited by Labcorp Genetics (formerly Invitae), Labcorp); PubMed 27081525 (cited by Labcorp Genetics (formerly Invitae), Labcorp); PubMed 8381579 (cited by Labcorp Genetics (formerly Invitae), Labcorp); PubMed 22135120 (cited by Labcorp Genetics (formerly Invitae), Labcorp).

NM_000038.6(APC):c.7678C>T (p.Arg2560Ter)

Gene: APC (APC regulator of Wnt signaling pathway; plus strand). Cytogenetic location: 5q22.2.
Variant type: single nucleotide variant.
Coding change: c.7678C>T on transcript NM_000038.6 (MANE Select); coding-DNA position 7678, C replaced by T.
Protein change: p.Arg2560Ter; replaces arginine 2560 with a stop codon.
Molecular consequence: nonsense.
Genome position (GRCh38, 1-based): chr5:112,843,272, C>T. VCF-style: chr5-112843272-C-T. GRCh37 (hg19) VCF-style: chr5-112178969-C-T.
Other names: c.7678C>T, p.Arg2560Ter (NM_001127510.3, NM_001354895.2); c.7624C>T, p.Arg2542Ter (NM_001127511.3); c.7732C>T, p.Arg2578Ter (NM_001354896.2); c.7708C>T, p.Arg2570Ter (NM_001354897.2); c.7603C>T, p.Arg2535Ter (NM_001354898.2); c.7594C>T, p.Arg2532Ter (NM_001354899.2); c.7555C>T, p.Arg2519Ter (NM_001354900.2); c.7501C>T, p.Arg2501Ter (NM_001354901.2); and 5 more; short protein forms R2434*, R2469*, R2501*, R2519*, R2532*, R2570*, R2578*, R2400*.
Identifiers: ClinVar variation 654491 (VCV000654491.19), dbSNP rs1580685528, ClinGen allele CA16038008.
Genomic context (GRCh38, chr5:112,843,272, plus strand): 5'-CCAATCAATAGGTCAGGAACCTGGAAACGTGAGCACAGCAAACATTCATCATCCCTTCCT[C>T]GAGTAAGCACTTGGAGAAGAACTGGAAGTTCATCTTCAATTCTTTCTGCTTCATCAGAAT-3'